The following is an entry in ClinVar:

NM_000702.4(ATP1A2):c.617C>A (p.Ser206Tyr)

Genes: ATP1A2 (ATPase Na+/K+ transporting subunit alpha 2; plus strand), LOC126805890 (CDK7 strongly-dependent group 2 enhancer GRCh37_chr1:160093987-160095186; plus strand). Cytogenetic location: 1q23.2.
Variant type: single nucleotide variant.
Coding change: c.617C>A on transcript NM_000702.4 (MANE Select); coding-DNA position 617, C replaced by A.
Protein change: p.Ser206Tyr; replaces serine 206 with tyrosine.
Molecular consequence: missense variant.
Genome position (GRCh38, 1-based): chr1:160,124,417, C>A. VCF-style: chr1-160124417-C-A. GRCh37 (hg19) VCF-style: chr1-160094207-C-A.
Other names: short protein forms S206Y.
Identifiers: ClinVar variation 3383845 (VCV003383845.3).

ClinVar aggregate classification (germline): Uncertain significance. Review status: criteria provided, multiple submitters, no conflicts (2 of 4 stars). 2 submissions from 2 submitters: Uncertain significance (2). Last evaluated 2024-05-30.

Conditions:
Familial hemiplegic migraine. Identifiers: MedGen C0338484, MONDO:0000700.

Submissions (2):

GeneDx
Classification: Uncertain significance. Last evaluated: 2024-05-30. Review status: criteria provided, single submitter. Criteria: GeneDx Variant Classification Process June 2021. Collection method: clinical testing. Allele origin: germline. Affected: yes.
Comment: Not observed at significant frequency in large population cohorts (gnomAD); In silico analysis supports that this missense variant has a deleterious effect on protein structure/function; Has not been previously published as pathogenic or benign to our knowledge

Labcorp Genetics (formerly Invitae), Labcorp
Classification: Uncertain significance for Familial hemiplegic migraine. Last evaluated: 2024-02-15. Review status: criteria provided, single submitter. Criteria: Invitae Variant Classification Sherloc (09022015). Collection method: clinical testing. Allele origin: germline.
Comment: This sequence change replaces serine, which is neutral and polar, with tyrosine, which is neutral and polar, at codon 206 of the ATP1A2 protein (p.Ser206Tyr). This variant is not present in population databases (gnomAD no frequency). This variant has not been reported in the literature in individuals affected with ATP1A2-related conditions. Advanced modeling of protein sequence and biophysical properties (such as structural, functional, and spatial information, amino acid conservation, physicochemical variation, residue mobility, and thermodynamic stability) performed at Invitae indicates that this missense variant is expected to disrupt ATP1A2 protein function with a positive predictive value of 80%. In summary, the available evidence is currently insufficient to determine the role of this variant in disease. Therefore, it has been classified as a Variant of Uncertain Significance.